The following is an entry in ClinVar:

NM_007294.4(BRCA1):c.5533T>C (p.Tyr1845His)

Gene: BRCA1 (BRCA1 DNA repair associated; minus strand). Cytogenetic location: 17q21.31.
Variant type: single nucleotide variant.
Coding change: c.5533T>C on transcript NM_007294.4 (MANE Select); coding-DNA position 5533, T replaced by C.
Protein change: p.Tyr1845His; replaces tyrosine 1845 with histidine.
Molecular consequence: missense variant. On other transcripts: 3 prime UTR variant (1), non-coding transcript variant (1).
Genome position (GRCh38, 1-based): chr17:43,045,737, A>G on the plus strand (T>C on the coding strand, the complement: BRCA1 is on the minus strand). VCF-style: chr17-43045737-A-G. GRCh37 (hg19) VCF-style: chr17-41197754-A-G.
Other names: c.5524T>C, p.Tyr1842His (NM_001407645.1, NM_001407644.1); c.5521T>C, p.Tyr1841His (NM_001407646.1); c.5518T>C, p.Tyr1840His (NM_001407647.1); c.5476T>C, p.Tyr1826His (NM_001407648.1); c.5473T>C, p.Tyr1825His (NM_001407649.1); c.5455T>C, p.Tyr1819His (NM_001407652.1, NM_001407653.1, NM_001407654.1 and 1 more transcripts); c.5452T>C, p.Tyr1818His (NM_001407656.1, NM_001407657.1, NM_001407658.1); c.5410T>C, p.Tyr1804His (NM_001407666.1, NM_001407667.1, NM_001407668.1 and 3 more transcripts); and 74 more; short protein forms Y1798H, Y1845H, Y1866H, Y741H, Y1549H, Y1676H, Y1717H, Y1718H.
Identifiers: ClinVar variation 869016 (VCV000869016.3), dbSNP rs2050869285, ClinGen allele CA10590256.

Conditions:
Breast-ovarian cancer, familial, susceptibility to, 1 (BROVCA1). Also called: BRCA1 Hereditary Breast and Ovarian Cancer; OVARIAN CANCER, SUSCEPTIBILITY TO. Identifiers: Orphanet 145, MedGen C2676676, MONDO:0011450, OMIM 604370. Disease mechanism: loss of function.

Submission:

Brotman Baty Institute, University of Washington
No classification provided (evidence only). Condition: Breast-ovarian cancer, familial 1. Review status: no classification provided. Collection method: in vitro. Allele origin: not applicable. Functional consequence: functionally_normal.
ClinVar note: "not provided" was previously submitted as the classification for the variant. However, the classification appeared to be based only on an observation of functional data so it was converted to no classification on 2025-07-30.